The following is an entry in ClinVar:

NM_145054.5(CFAP52):c.482C>A (p.Ala161Asp)

Gene: CFAP52 (cilia and flagella associated protein 52; plus strand). Cytogenetic location: 17p13.1.
Variant type: single nucleotide variant.
Coding change: c.482C>A on transcript NM_145054.5 (MANE Select); coding-DNA position 482, C replaced by A.
Protein change: p.Ala161Asp; replaces alanine 161 with aspartic acid.
Molecular consequence: missense variant.
Genome position (GRCh38, 1-based): chr17:9,594,267, C>A. VCF-style: chr17-9594267-C-A. GRCh37 (hg19) VCF-style: chr17-9497584-C-A.
Other names: c.278C>A, p.Ala93Asp (NM_001080556.2); short protein forms A93D, A161D.
Identifiers: ClinVar variation 841952 (VCV000841952.7), dbSNP rs147354190, ClinGen allele CA398073595.
Genomic context (GRCh38, chr17:9,594,267, plus strand): 5'-GCATAGCCAAGAGAGATGCCATCTGTGGCAGCCCTGCAGCCGGCCTCAATGTTGGCAATG[C>A]CACCAATGTGATCTTCTCCAGGTGCCGGGATGAGATGTTTATGACTGCTGGAAAGTATGT-3'
Protein context (NP_659491.4, residues 151-171): SPAAGLNVGN[Ala161Asp]TNVIFSRCRD

ClinVar aggregate classification (germline): Uncertain significance. Review status: criteria provided, multiple submitters, no conflicts (2 of 4 stars). 2 submissions from 2 submitters: Uncertain significance (2). Last evaluated 2024-12-23.

Conditions:
Situs inversus. Also called: Situs inversus totalis. Identifiers: Orphanet 101063, MedGen C4551493, MONDO:0010029, HP:0001696.

Allele frequency attached by ClinVar (database versions not stated): TOPMed 0.00002.
gnomAD v4.1: 26 of 1,613,680 alleles (0.0016%); highest among the groups gnomAD compares: Non-Finnish European, 0.0022%; no homozygotes.

Submissions (2):

Ambry Genetics
Classification: Uncertain significance. Last evaluated: 2024-12-23. Review status: criteria provided, single submitter. Criteria: Ambry Variant Classification Scheme 2023. Collection method: clinical testing. Allele origin: germline.

Labcorp Genetics (formerly Invitae), Labcorp
Classification: Uncertain significance for Situs inversus. Last evaluated: 2021-08-27. Review status: criteria provided, single submitter. Criteria: Invitae Variant Classification Sherloc (09022015). Collection method: clinical testing. Allele origin: germline.
Comment: This sequence change replaces alanine with aspartic acid at codon 161 of the CFAP52 protein (p.Ala161Asp). The alanine residue is moderately conserved and there is a moderate physicochemical difference between alanine and aspartic acid. This variant is not present in population databases (ExAC no frequency). This variant has not been reported in the literature in individuals affected with CFAP52-related conditions. Algorithms developed to predict the effect of missense changes on protein structure and function are either unavailable or do not agree on the potential impact of this missense change (SIFT: "Deleterious"; PolyPhen-2: "Possibly Damaging"; Align-GVGD: "Class C0"). In summary, the available evidence is currently insufficient to determine the role of this variant in disease. Therefore, it has been classified as a Variant of Uncertain Significance.